The following is an entry in ClinVar:

NM_001204.7(BMPR2):c.2986C>A (p.Leu996Met)

Gene: BMPR2 (bone morphogenetic protein receptor type 2; plus strand). Cytogenetic location: 2q33.2.
Variant type: single nucleotide variant.
Coding change: c.2986C>A on transcript NM_001204.7 (MANE Select); coding-DNA position 2986, C replaced by A.
Protein change: p.Leu996Met; replaces leucine 996 with methionine.
Molecular consequence: missense variant.
Genome position (GRCh38, 1-based): chr2:202,559,815, C>A. VCF-style: chr2-202559815-C-A. GRCh37 (hg19) VCF-style: chr2-203424538-C-A.
Other names: short protein forms L996M.
Identifiers: ClinVar variation 2897468 (VCV002897468.4), dbSNP rs2468751270, ClinGen allele CA350350520.
Genomic context (GRCh38, chr2:202,559,815, plus strand): 5'-AAAACTCCCTATTCTCTTAAGCGGTGGCGCCCCTCCACCTGGGTCATCTCCACTGAATCG[C>A]TGGACTGTGAAGTCAACAATAATGGCAGTAACAGGGCAGTTCATTCCAAATCCAGCACTG-3'
Protein context (NP_001195.2, residues 986-1006): PSTWVISTES[Leu996Met]DCEVNNNGSN

ClinVar aggregate classification (germline): Uncertain significance. Review status: criteria provided, multiple submitters, no conflicts (2 of 4 stars). 2 submissions from 2 submitters: Uncertain significance (2). Last evaluated 2026-06-20.

Conditions:
Inborn genetic diseases. Identifiers: MedGen C0950123, MeSH D030342.
Primary pulmonary hypertension. Also called: Idiopathic pulmonary hypertension. Identifiers: MedGen C0152171.

Submissions (2):

Ambry Genetics
Classification: Uncertain significance for Inborn genetic diseases. Last evaluated: 2026-06-20. Review status: criteria provided, single submitter. Criteria: Ambry Variant Classification Scheme 2023. Collection method: clinical testing. Allele origin: germline.
Comment: The p.L996M variant (also known as c.2986C>A), located in coding exon 13 of the BMPR2 gene, results from a C to A substitution at nucleotide position 2986. The leucine at codon 996 is replaced by methionine, an amino acid with highly similar properties. This amino acid position is conserved. In addition, this alteration is predicted to be tolerated by in silico analysis. Based on the available evidence, the clinical significance of this variant remains unclear.

Labcorp Genetics (formerly Invitae), Labcorp
Classification: Uncertain significance for Primary pulmonary hypertension. Last evaluated: 2023-09-06. Review status: criteria provided, single submitter. Criteria: Invitae Variant Classification Sherloc (09022015). Collection method: clinical testing. Allele origin: germline.
Comment: In summary, the available evidence is currently insufficient to determine the role of this variant in disease. Therefore, it has been classified as a Variant of Uncertain Significance. This sequence change replaces leucine, which is neutral and non-polar, with methionine, which is neutral and non-polar, at codon 996 of the BMPR2 protein (p.Leu996Met). This variant is not present in population databases (gnomAD no frequency). This variant has not been reported in the literature in individuals affected with BMPR2-related conditions. Advanced modeling of protein sequence and biophysical properties (such as structural, functional, and spatial information, amino acid conservation, physicochemical variation, residue mobility, and thermodynamic stability) performed at Invitae indicates that this missense variant is not expected to disrupt BMPR2 protein function.